The following is an entry in ClinVar:

NM_021614.4(KCNN2):c.416T>C (p.Leu139Pro)

Gene: KCNN2 (potassium calcium-activated channel subfamily N member 2; plus strand). Cytogenetic location: 5q22.3.
Variant type: single nucleotide variant.
Coding change: c.416T>C on transcript NM_021614.4 (MANE Select); coding-DNA position 416, T replaced by C.
Protein change: p.Leu139Pro; replaces leucine 139 with proline.
Molecular consequence: missense variant. On other transcripts: non-coding transcript variant (1).
Genome position (GRCh38, 1-based): chr5:114,362,555, T>C. VCF-style: chr5-114362555-T-C. GRCh37 (hg19) VCF-style: chr5-113698252-T-C.
Other names: c.614T>C, p.Leu205Pro (NM_001372233.1); short protein forms L139P, L205P.
Identifiers: ClinVar variation 4083717 (VCV004083717.8).

ClinVar aggregate classification (germline): Likely benign (1 of 4 stars; one submission).

gnomAD v4.1: 499 of 607,872 alleles (0.082%); highest among the groups gnomAD compares: Middle Eastern, 0.13%; no homozygotes.

Submission:

CeGaT Center for Human Genetics Tuebingen
Classification: Likely benign. Last evaluated: 2026-08-01. Review status: criteria provided, single submitter. Criteria: CeGaT Center For Human Genetics Tuebingen Variant Classification Criteria Version 2. Collection method: clinical testing. Allele origin: germline. Affected: yes. Observed: 3 variant alleles.
Comment: KCNN2: BS1